The following is an entry in ClinVar:

NM_001129.5(AEBP1):c.2152G>A (p.Val718Ile)

Gene: AEBP1 (AE binding protein 1; plus strand). Cytogenetic location: 7p13.
Variant type: single nucleotide variant.
Coding change: c.2152G>A on transcript NM_001129.5 (MANE Select); coding-DNA position 2152, G replaced by A.
Protein change: p.Val718Ile; replaces valine 718 with isoleucine.
Molecular consequence: missense variant.
Genome position (GRCh38, 1-based): chr7:44,112,256, G>A. VCF-style: chr7-44112256-G-A. GRCh37 (hg19) VCF-style: chr7-44151855-G-A.
Other names: short protein forms V718I.
Identifiers: ClinVar variation 1976893 (VCV001976893.5), dbSNP rs1347974341, ClinGen allele CA367368694.

ClinVar aggregate classification (germline): Uncertain significance (1 of 4 stars; one submission).

Allele frequency attached by ClinVar (database versions not stated): gnomAD exomes below 0.00001.
gnomAD v4.1: 2 of 1,601,076 alleles (0.00012%); highest among the groups gnomAD compares: Non-Finnish European, 0.00017%; no homozygotes.

Submission:

Labcorp Genetics (formerly Invitae), Labcorp
Classification: Uncertain significance. Last evaluated: 2023-12-06. Review status: criteria provided, single submitter. Criteria: Invitae Variant Classification Sherloc (09022015). Collection method: clinical testing. Allele origin: germline.
Comment: This sequence change replaces valine, which is neutral and non-polar, with isoleucine, which is neutral and non-polar, at codon 718 of the AEBP1 protein (p.Val718Ile). The frequency data for this variant in the population databases is considered unreliable, as metrics indicate poor data quality at this position in the gnomAD database. This variant has not been reported in the literature in individuals affected with AEBP1-related conditions. ClinVar contains an entry for this variant (Variation ID: 1976893). An algorithm developed to predict the effect of missense changes on protein structure and function (PolyPhen-2) suggests that this variant is likely to be disruptive. In summary, the available evidence is currently insufficient to determine the role of this variant in disease. Therefore, it has been classified as a Variant of Uncertain Significance.